The following is an entry in ClinVar:

ClinVar aggregate classification (germline): Uncertain significance. Review status: criteria provided, multiple submitters, no conflicts (2 of 4 stars). 2 submissions from 2 submitters: Uncertain significance (2). Last evaluated 2025-03-07.

Conditions:
Hereditary cancer-predisposing syndrome. Also called: Hereditary neoplastic syndrome; Neoplastic Syndromes, Hereditary; Hereditary Cancer Syndrome; Tumor predisposition. Identifiers: Orphanet 140162, MedGen C0027672, MeSH D009386, MONDO:0015356.
Bloom syndrome (BLM). Also called: Bloom-Torre-Machacek syndrome. Identifiers: Orphanet 125, MedGen C0005859, MONDO:0008876, OMIM 210900.

gnomAD v4.1: 3 of 1,614,178 alleles (0.00019%); highest among the groups gnomAD compares: Non-Finnish European, 0.00025%; no homozygotes.

Submissions (2):

Ambry Genetics
Classification: Uncertain significance for Hereditary cancer-predisposing syndrome. Last evaluated: 2025-03-07. Review status: criteria provided, single submitter. Criteria: Ambry Variant Classification Scheme 2023. Collection method: clinical testing. Allele origin: germline.
Comment: The p.G1354V variant (also known as c.4061G>T), located in coding exon 20 of the BLM gene, results from a G to T substitution at nucleotide position 4061. The glycine at codon 1354 is replaced by valine, an amino acid with dissimilar properties. This amino acid position is conserved. In addition, this alteration is predicted to be tolerated by in silico analysis. Since supporting evidence is limited at this time, the clinical significance of this alteration remains unclear.

Labcorp Genetics (formerly Invitae), Labcorp
Classification: Uncertain significance for Bloom syndrome. Last evaluated: 2023-02-26. Review status: criteria provided, single submitter. Criteria: Invitae Variant Classification Sherloc (09022015). Collection method: clinical testing. Allele origin: germline.
Comment: In summary, the available evidence is currently insufficient to determine the role of this variant in disease. Therefore, it has been classified as a Variant of Uncertain Significance. Advanced modeling of protein sequence and biophysical properties (such as structural, functional, and spatial information, amino acid conservation, physicochemical variation, residue mobility, and thermodynamic stability) performed at Invitae indicates that this missense variant is not expected to disrupt BLM protein function. ClinVar contains an entry for this variant (Variation ID: 965339). This variant has not been reported in the literature in individuals affected with BLM-related conditions. This variant is not present in population databases (gnomAD no frequency). This sequence change replaces glycine, which is neutral and non-polar, with valine, which is neutral and non-polar, at codon 1354 of the BLM protein (p.Gly1354Val).

NM_000057.4(BLM):c.4061G>T (p.Gly1354Val)

Gene: BLM (BLM RecQ like helicase; plus strand). Cytogenetic location: 15q26.1.
Variant type: single nucleotide variant.
Coding change: c.4061G>T on transcript NM_000057.4 (MANE Select); coding-DNA position 4061, G replaced by T.
Protein change: p.Gly1354Val; replaces glycine 1354 with valine.
Molecular consequence: missense variant.
Genome position (GRCh38, 1-based): chr15:90,811,391, G>T. VCF-style: chr15-90811391-G-T. GRCh37 (hg19) VCF-style: chr15-91354621-G-T.
Other names: c.4061G>T, p.Gly1354Val (NM_001287246.2); c.3668G>T, p.Gly1223Val (NM_001287247.2); c.2936G>T, p.Gly979Val (NM_001287248.2); short protein forms G1354V, G1223V, G979V.
Identifiers: ClinVar variation 965339 (VCV000965339.12), dbSNP rs891751726, ClinGen allele CA393851528.